The following is an entry in ClinVar:

ClinVar aggregate classification (germline): Pathogenic (1 of 4 stars; one submission).

Conditions:
Hereditary hemorrhagic telangiectasia (HHT). Also called: ORW DISEASE; Osler Weber Rendu syndrome; OSLER-RENDU-WEBER DISEASE; Osler hemorrhagic telangiectasia syndrome. Identifiers: Orphanet 774, MedGen C0039445, MONDO:0019180. Disease mechanism: loss of function.

Submission:

Labcorp Genetics (formerly Invitae), Labcorp
Classification: Pathogenic for Hereditary hemorrhagic telangiectasia. Last evaluated: 2024-05-31. Review status: criteria provided, single submitter. Criteria: Invitae Variant Classification Sherloc (09022015). Collection method: clinical testing. Allele origin: germline.
Comment: This sequence change creates a premature translational stop signal (p.Asp348Thrfs*11) in the ENG gene. It is expected to result in an absent or disrupted protein product. Loss-of-function variants in ENG are known to be pathogenic (PMID: 15879500). This variant is not present in population databases (gnomAD no frequency). This variant has not been reported in the literature in individuals affected with ENG-related conditions. ClinVar contains an entry for this variant (Variation ID: 1453053). For these reasons, this variant has been classified as Pathogenic.

Literature cited by the submitters: PubMed 15879500.

NM_001114753.3(ENG):c.1042del (p.Asp348fs)

Gene: ENG (endoglin; minus strand). Cytogenetic location: 9q34.11.
Variant type: Deletion.
Coding change: c.1042del on transcript NM_001114753.3 (MANE Select); coding-DNA position 1042, one base deleted (G; older notation c.1042delG).
Protein change: p.Asp348fs; shifts the reading frame from aspartic acid 348.
Molecular consequence: frameshift variant.
Genome position (GRCh38, 1-based): chr9:127,824,396, C deleted on the plus strand (G on the coding strand, the reverse complement: ENG is on the minus strand); the first of 2 consecutive C bases (chr9:127,824,396-127,824,397); deleting either gives the same sequence. VCF-style (leftmost placement, unchanged base first): chr9-127824395-TC-T. GRCh37 (hg19) VCF-style: chr9-130586674-TC-T.
Other names: c.1041delG, p.Asp348Thrfs (NM_000118.4, NM_001406715.1); c.496del, p.Asp166fs (NM_001278138.2); short protein forms D348fs, D166fs.
Identifiers: ClinVar variation 1453053 (VCV001453053.8), dbSNP rs2131885976, ClinGen allele CA2573143988.